The following is an entry in ClinVar:

ClinVar aggregate classification (germline): Benign (1 of 4 stars; one submission).

Allele frequency attached by ClinVar (database versions not stated): 1000 Genomes Project 0.52835; 1000 Genomes Project 30x 0.53217; TOPMed 0.58584; gnomAD 0.58774 and 0.59288.
gnomAD v4.1: 89,428 of 152,040 alleles (59%); highest among the groups gnomAD compares: Middle Eastern, 65%; 26,642 homozygotes.

Submission:

GeneDx
Classification: Benign. Last evaluated: 2018-06-19. Review status: criteria provided, single submitter. Criteria: GeneDx Variant Classification (06012015). Collection method: clinical testing. Allele origin: germline. Affected: yes.
Comment: This variant is considered likely benign or benign based on one or more of the following criteria: it is a conservative change, it occurs at a poorly conserved position in the protein, it is predicted to be benign by multiple in silico algorithms, and/or has population frequency not consistent with disease.

NM_002778.4(PSAP):c.41-237C>T

Gene: PSAP (prosaposin; minus strand). Cytogenetic location: 10q22.1.
Variant type: single nucleotide variant.
Coding change: c.41-237C>T on transcript NM_002778.4 (MANE Select); 237 bases into the intron before coding-DNA position 41, C replaced by T.
Molecular consequence: intron variant.
Genome position (GRCh38, 1-based): chr10:71,834,742, G>A on the plus strand (C>T on the coding strand, the complement: PSAP is on the minus strand). VCF-style: chr10-71834742-G-A. GRCh37 (hg19) VCF-style: chr10-73594499-G-A.
Other names: c.41-237C>T (NM_001042466.3, NM_001042465.3).
Identifiers: ClinVar variation 680719 (VCV000680719.1), dbSNP rs762571, ClinGen allele CA13309672.